The following is an entry in ClinVar:

ClinVar aggregate classification (germline): Uncertain significance. Review status: criteria provided, multiple submitters, no conflicts (2 of 4 stars). 2 submissions from 2 submitters: Uncertain significance (2). Last evaluated 2022-11-18.

Conditions:
Inborn genetic diseases. Identifiers: MedGen C0950123, MeSH D030342.
LAMA2-related muscular dystrophy (LAMA2-RD). Also called: Laminin alpha 2-related dystrophy. Identifiers: MedGen C5679788, MONDO:0100228.

Allele frequency attached by ClinVar (database versions not stated): TOPMed below 0.00001; ExAC 0.00001; gnomAD exomes 0.00001.
gnomAD v4.1: 6 of 1,614,118 alleles (0.00037%); highest among the groups gnomAD compares: Non-Finnish European, 0.00051%; no homozygotes.

Submissions (2):

Ambry Genetics
Classification: Uncertain significance for Inborn genetic diseases. Last evaluated: 2022-11-18. Review status: criteria provided, single submitter. Criteria: Ambry Variant Classification Scheme 2023. Collection method: clinical testing. Allele origin: germline.

Labcorp Genetics (formerly Invitae), Labcorp
Classification: Uncertain significance for LAMA2-related muscular dystrophy. Last evaluated: 2021-08-31. Review status: criteria provided, single submitter. Criteria: Invitae Variant Classification Sherloc (09022015). Collection method: clinical testing. Allele origin: germline.
Comment: This sequence change replaces arginine with cysteine at codon 2709 of the LAMA2 protein (p.Arg2709Cys). The arginine residue is moderately conserved and there is a large physicochemical difference between arginine and cysteine. This variant is present in population databases (rs769324317, ExAC 0.002%). This variant has not been reported in the literature in individuals affected with LAMA2-related conditions. Algorithms developed to predict the effect of missense changes on protein structure and function are either unavailable or do not agree on the potential impact of this missense change (SIFT: "Deleterious"; PolyPhen-2: "Possibly Damaging"; Align-GVGD: "Class C0"). In summary, the available evidence is currently insufficient to determine the role of this variant in disease. Therefore, it has been classified as a Variant of Uncertain Significance.

NM_000426.4(LAMA2):c.8125C>T (p.Arg2709Cys)

Gene: LAMA2 (laminin subunit alpha 2; plus strand). Cytogenetic location: 6q22.33.
Variant type: single nucleotide variant.
Coding change: c.8125C>T on transcript NM_000426.4 (MANE Select); coding-DNA position 8125, C replaced by T.
Protein change: p.Arg2709Cys; replaces arginine 2709 with cysteine.
Molecular consequence: missense variant.
Genome position (GRCh38, 1-based): chr6:129,492,364, C>T. VCF-style: chr6-129492364-C-T. GRCh37 (hg19) VCF-style: chr6-129813509-C-T.
Other names: c.8113C>T, p.Arg2705Cys (NM_001079823.2); c.8125C>T (NM_000426.3); short protein forms R2705C, R2709C.
Identifiers: ClinVar variation 1446449 (VCV001446449.6), dbSNP rs769324317, ClinGen allele CA3994746.